The following is an entry in ClinVar:

ClinVar aggregate classification (germline): Benign/Likely benign. Review status: criteria provided, multiple submitters, no conflicts (2 of 4 stars). 3 submissions from 3 submitters: Benign (1); Likely benign (2). Last evaluated 2026-08-14.

Conditions:
ARNT2-related disorder. Also called: ARNT2-related condition.

Allele frequency attached by ClinVar (database versions not stated): gnomAD exomes 0.00036; ExAC 0.00044; gnomAD 0.00115 and 0.00121; 1000 Genomes Project 30x 0.00125; 1000 Genomes Project 0.00140; TOPMed 0.00142; ESP Exome Variant Server 0.00169.
gnomAD v4.1: 372 of 1,614,072 alleles (0.023%); highest among the groups gnomAD compares: African/African-American, 0.41%; 2 homozygotes.

Submissions (3):

PreventionGenetics, part of Exact Sciences
Classification: Likely benign for ARNT2-related condition. Last evaluated: 2026-08-14. Review status: criteria provided, single submitter. Criteria: ACMG Guidelines, 2015. Collection method: clinical testing. Allele origin: germline.
Comment: This variant is classified as likely benign based on ACMG/AMP sequence variant interpretation guidelines (Richards et al. 2015 PMID: 25741868, with internal and published modifications).

Labcorp Genetics (formerly Invitae), Labcorp
Classification: Benign. Last evaluated: 2025-09-08. Review status: criteria provided, single submitter. Criteria: Invitae Variant Classification Sherloc (09022015). Collection method: clinical testing. Allele origin: germline.

Blueprint Genetics
Classification: Likely benign. Last evaluated: 2024-10-24. Review status: criteria provided, single submitter. Criteria: ACMG Guidelines, 2015. Collection method: clinical testing. Allele origin: germline.

NM_014862.4(ARNT2):c.1029C>T (p.Ser343=)

Gene: ARNT2 (aryl hydrocarbon receptor nuclear translocator 2; plus strand). Cytogenetic location: 15q25.1.
Variant type: single nucleotide variant.
Coding change: c.1029C>T on transcript NM_014862.4 (MANE Select); coding-DNA position 1029, C replaced by T.
Protein change: p.Ser343=; no amino-acid change (serine 343 retained).
Molecular consequence: synonymous variant.
Genome position (GRCh38, 1-based): chr15:80,552,714, C>T. VCF-style: chr15-80552714-C-T. GRCh37 (hg19) VCF-style: chr15-80845055-C-T.
Other names: c.1029C>T (NM_014862.3).
Identifiers: ClinVar variation 1664669 (VCV001664669.10), dbSNP rs139389870, ClinGen allele CA7691893.